The following is an entry in ClinVar:

ClinVar aggregate classification (germline): Benign. Review status: criteria provided, multiple submitters, no conflicts (2 of 4 stars). 5 submissions from 5 submitters: Benign (5). Last evaluated 2026-02-04.

Conditions:
Sulfite oxidase deficiency due to molybdenum cofactor deficiency type A. Also called: Molybdenum cofactor deficiency, complementation group A; Molybdenum Cofactor Deficiency A. Identifiers: Orphanet 308386, Orphanet 833, MedGen C1854988, MONDO:0009643, OMIM 252150.

Allele frequency attached by ClinVar (database versions not stated): gnomAD 0.02256; TOPMed 0.02481; ESP Exome Variant Server 0.02714; 1000 Genomes Project 0.02796; 1000 Genomes Project 30x 0.03014.
gnomAD v4.1: 7,160 of 1,613,920 alleles (0.44%); highest among the groups gnomAD compares: African/African-American, 7.8%; 229 homozygotes.

Submissions (5):

Labcorp Genetics (formerly Invitae), Labcorp
Classification: Benign for Sulfite oxidase deficiency due to molybdenum cofactor deficiency type A. Last evaluated: 2026-02-04. Review status: criteria provided, single submitter. Criteria: Invitae Variant Classification Sherloc (09022015). Collection method: clinical testing. Allele origin: germline.

Fulgent Genetics
Classification: Benign for Sulfite oxidase deficiency due to molybdenum cofactor deficiency type A. Last evaluated: 2021-10-08. Review status: criteria provided, single submitter. Criteria: ACMG Guidelines, 2015. Collection method: clinical testing. Allele origin: unknown.

GeneDx
Classification: Benign. Last evaluated: 2021-05-22. Review status: criteria provided, single submitter. Criteria: GeneDx Variant Classification Process June 2021. Collection method: clinical testing. Allele origin: germline. Affected: yes.

Mayo Clinic Laboratories, Mayo Clinic
Classification: Benign. Last evaluated: 2018-04-10. Review status: criteria provided, single submitter. Criteria: ACMG Guidelines, 2015. Collection method: clinical testing. Allele origin: germline. Observed: 24 variant alleles.

Illumina Laboratory Services, Illumina
Classification: Benign for Sulfite oxidase deficiency due to molybdenum cofactor deficiency type A. Last evaluated: 2018-01-12. Review status: criteria provided, single submitter. Criteria: ICSL Variant Classification Criteria 13 December 2019. Collection method: clinical testing. Allele origin: germline.
Comment: This variant was observed in the ICSL laboratory as part of a predisposition screen in an ostensibly healthy population. It had not been previously curated by ICSL or reported in the Human Gene Mutation Database (HGMD: prior to June 1st, 2018), and was therefore a candidate for classification through an automated scoring system. Utilizing variant allele frequency, disease prevalence and penetrance estimates, and inheritance mode, an automated score was calculated to assess if this variant is too frequent to cause the disease. Based on the score and internal cut-off values, a variant classified as benign is not then subjected to further curation. The score for this variant resulted in a classification of benign for this disease.

NM_001358530.2(MOCS1):c.645+9G>C

Gene: MOCS1 (molybdenum cofactor synthesis 1; minus strand). Cytogenetic location: 6p21.2.
Variant type: single nucleotide variant.
Coding change: c.645+9G>C on transcript NM_001358530.2 (MANE Select); 9 bases into the intron after coding-DNA position 645, G replaced by C.
Molecular consequence: intron variant.
Genome position (GRCh38, 1-based): chr6:39,913,765, C>G on the plus strand (G>C on the coding strand, the complement: MOCS1 is on the minus strand). VCF-style: chr6-39913765-C-G. GRCh37 (hg19) VCF-style: chr6-39881509-C-G.
Other names: p.?; c.384+9G>C (NM_001358531.2, NM_001358533.2, NM_001358534.2); c.645+9G>C (NM_001358529.2, NM_001075098.4, NM_005943.6).
Identifiers: ClinVar variation 356660 (VCV000356660.18), dbSNP rs73732319, ClinGen allele CA3796214.